The following is an entry in ClinVar:

NM_001844.5(COL2A1):c.683del (p.Gly228fs)

Gene: COL2A1 (collagen type II alpha 1 chain; minus strand). Cytogenetic location: 12q13.11.
Variant type: Deletion.
Coding change: c.683del on transcript NM_001844.5 (MANE Select); coding-DNA position 683, one base deleted (G; older notation c.683delG).
Protein change: p.Gly228fs; shifts the reading frame from glycine 228.
Molecular consequence: frameshift variant.
Genome position (GRCh38, 1-based): chr12:47,995,735, C deleted on the plus strand (G on the coding strand, the reverse complement: COL2A1 is on the minus strand); the first of 2 consecutive C bases (chr12:47,995,735-47,995,736); deleting either gives the same sequence. VCF-style (leftmost placement, unchanged base first): chr12-47995734-AC-A. GRCh37 (hg19) VCF-style: chr12-48389517-AC-A.
Other names: c.476del, p.Gly159fs (NM_033150.3); short protein forms G159fs, G228fs.
Identifiers: ClinVar variation 4719654 (VCV004719654.1).

ClinVar aggregate classification (germline): Pathogenic (1 of 4 stars; one submission).

Submission:

Labcorp Genetics (formerly Invitae), Labcorp
Classification: Pathogenic. Last evaluated: 2025-05-15. Review status: criteria provided, single submitter. Criteria: Invitae Variant Classification Sherloc (09022015). Collection method: clinical testing. Allele origin: germline.
Comment: This sequence change creates a premature translational stop signal (p.Gly228Valfs*80) in the COL2A1 gene. It is expected to result in an absent or disrupted protein product. Loss-of-function variants in COL2A1 are known to be pathogenic (PMID: 20179744). This variant is not present in population databases (gnomAD no frequency). This variant has not been reported in the literature in individuals affected with COL2A1-related conditions. For these reasons, this variant has been classified as Pathogenic.

Literature cited by the submitters: PubMed 20179744.